The following is an entry in ClinVar:

ClinVar aggregate classification (germline): Benign/Likely benign. Review status: criteria provided, multiple submitters, no conflicts (2 of 4 stars). 9 submissions from 9 submitters: Benign (6); Likely benign (3). Last evaluated 2026-07-01.

Conditions:
Metaphyseal dysplasia-maxillary hypoplasia-brachydacty syndrome. Also called: Metaphyseal dysplasia with maxillary hypoplasia and brachydactyly; METAPHYSEAL DYSPLASIA AND MAXILLARY HYPOPLASIA WITH OR WITHOUT BRACHYDACTYLY; Metaphyseal dysplasia with maxillary hypoplasia with or without brachydactyly. Identifiers: Orphanet 2504, MedGen C3549874, MONDO:0007984, OMIM 156510.
Cleidocranial dysostosis (CLCD1). Also called: Marie-Sainton disease; Cleidocranial Dysplasia Spectrum Disorder; cleidocranial dysplasia 1. Identifiers: Orphanet 1452, MedGen C0008928, MONDO:0007340, OMIM 119600.

Allele frequency attached by ClinVar (database versions not stated): 1000 Genomes Project 0.00379; 1000 Genomes Project 30x 0.00468; gnomAD exomes 0.00764 and 0.01061; TOPMed 0.00804; ExAC 0.00813; gnomAD 0.00835 and 0.00864; ESP Exome Variant Server 0.00869.
gnomAD v4.1: 16,718 of 1,614,152 alleles (1%); highest among the groups gnomAD compares: Non-Finnish European, 1.2%; 95 homozygotes.

Submissions (9):

CeGaT Center for Human Genetics Tuebingen
Classification: Benign. Last evaluated: 2026-07-01. Review status: criteria provided, single submitter. Criteria: CeGaT Center For Human Genetics Tuebingen Variant Classification Criteria Version 2. Collection method: clinical testing. Allele origin: germline. Affected: yes. Observed: 7 variant alleles.
Comment: RUNX2: BS1, BS2

Labcorp Genetics (formerly Invitae), Labcorp
Classification: Benign. Last evaluated: 2026-01-27. Review status: criteria provided, single submitter. Criteria: Invitae Variant Classification Sherloc (09022015). Collection method: clinical testing. Allele origin: germline.

ARUP Laboratories, Molecular Genetics and Genomics, ARUP Laboratories
Classification: Benign. Last evaluated: 2023-10-18. Review status: criteria provided, single submitter. Criteria: ARUP Molecular Germline Variant Investigation Process 2024. Collection method: clinical testing. Allele origin: germline.

Fulgent Genetics
Classification: Benign for Cleidocranial dysostosis; Metaphyseal dysplasia-maxillary hypoplasia-brachydacty syndrome. Last evaluated: 2021-08-25. Review status: criteria provided, single submitter. Criteria: ACMG Guidelines, 2015. Collection method: clinical testing. Allele origin: unknown.

GeneDx
Classification: Likely benign. Last evaluated: 2020-11-30. Review status: criteria provided, single submitter. Criteria: GeneDx Variant Classification Process June 2021. Collection method: clinical testing. Allele origin: germline. Affected: yes.
Comment: This variant is associated with the following publications: (PMID: 32360898)

SIB Swiss Institute of Bioinformatics
Classification: Benign for Cleidocranial dysostosis. Last evaluated: 2018-05-31. Review status: criteria provided, single submitter. Criteria: ACMG Guidelines, 2015. Collection method: curation. Allele origin: unknown.
Comment: This variant is interpreted as a Benign, for Cleidocranial dysplasia, in Autosomal Dominant manner. The following ACMG Tag(s) were applied: BS1 => Allele frequency is greater than expected for disorder. BS2 => Observed in a healthy adult individual for a recessive (homozygous), dominant (heterozygous), or X-linked (hemizygous) disorder, with full penetrance expected at an early age (PMID:10521292).

Illumina Laboratory Services, Illumina
Classification: Benign for Cleidocranial dysostosis. Last evaluated: 2018-01-12. Review status: criteria provided, single submitter. Criteria: ICSL Variant Classification Criteria 13 December 2019. Collection method: clinical testing. Allele origin: germline.
Comment: This variant was observed in the ICSL laboratory as part of a predisposition screen in an ostensibly healthy population. It had not been previously curated by ICSL or reported in the Human Gene Mutation Database (HGMD: prior to June 1st, 2018), and was therefore a candidate for classification through an automated scoring system. Utilizing variant allele frequency, disease prevalence and penetrance estimates, and inheritance mode, an automated score was calculated to assess if this variant is too frequent to cause the disease. Based on the score and internal cut-off values, a variant classified as benign is not then subjected to further curation. The score for this variant resulted in a classification of benign for this disease.

Center for Pediatric Genomic Medicine, Children's Mercy Hospital and Clinics
Classification: Likely benign. Last evaluated: 2017-03-17. Review status: criteria provided, single submitter. Criteria: ACMG Guidelines, 2015. Collection method: clinical testing. Allele origin: germline.

Breakthrough Genomics
Classification: Likely benign. Review status: criteria provided, single submitter. Criteria: ACMG Guidelines, 2015. Collection method: not provided. Allele origin: germline. Inheritance: Autosomal dominant inheritance. Affected: yes.

Literature cited by the submitters: PubMed 10521292 (cited by SIB Swiss Institute of Bioinformatics).

NM_001024630.4(RUNX2):c.1531G>A (p.Gly511Ser)

Gene: RUNX2 (RUNX family transcription factor 2; plus strand). Cytogenetic location: 6p21.1.
Variant type: single nucleotide variant.
Coding change: c.1531G>A on transcript NM_001024630.4 (MANE Select); coding-DNA position 1531, G replaced by A.
Protein change: p.Gly511Ser; replaces glycine 511 with serine.
Molecular consequence: missense variant.
Genome position (GRCh38, 1-based): chr6:45,547,270, G>A. VCF-style: chr6-45547270-G-A. GRCh37 (hg19) VCF-style: chr6-45515007-G-A.
Other names: NM_001015051.3(RUNX2):c.1465G>A(p.Gly489Ser); NM_001024630.3(RUNX2):c.1531G>A(p.Gly511Ser); NM_001278478.1(RUNX2):n.1423G>A(p.Gly475Ser); c.1465G>A, p.Gly489Ser (NM_001015051.4); c.1423G>A, p.Gly475Ser (NM_001278478.2); c.1489G>A, p.Gly497Ser (NM_001369405.1); short protein forms G511S, G475S, G489S, G497S.
Identifiers: ClinVar variation 357096 (VCV000357096.52), dbSNP rs11498198, ClinGen allele CA3836643.
Genomic context (GRCh38, chr6:45,547,270, plus strand): 5'-AATGATGGTGTTGACGCTGATGGAAGCCACAGCAGTTCCCCAACTGTTTTGAATTCTAGT[G>A]GCAGAATGGATGAATCTGTTTGGCGACCATATTGAAATTCCTCAGCAGTGGCCCAGTGGT-3'
Protein context (NP_001019801.3, residues 501-521): SSSPTVLNSS[Gly511Ser]RMDESVWRPY